The following is an entry in ClinVar:

ClinVar aggregate classification (germline): Uncertain significance. Review status: criteria provided, multiple submitters, no conflicts (2 of 4 stars). 2 submissions from 2 submitters: Uncertain significance (2). Last evaluated 2025-06-09.

Allele frequency attached by ClinVar (database versions not stated): gnomAD exomes below 0.00001.
gnomAD v4.1: 10 of 1,613,924 alleles (0.00062%); highest among the groups gnomAD compares: East Asian, 0.0022%; no homozygotes.

Submissions (2):

Ambry Genetics
Classification: Uncertain significance. Last evaluated: 2025-06-09. Review status: criteria provided, single submitter. Criteria: Ambry Variant Classification Scheme 2023. Collection method: clinical testing. Allele origin: germline.

Labcorp Genetics (formerly Invitae), Labcorp
Classification: Uncertain significance. Last evaluated: 2024-10-08. Review status: criteria provided, single submitter. Criteria: Invitae Variant Classification Sherloc (09022015). Collection method: clinical testing. Allele origin: germline.
Comment: This sequence change replaces aspartic acid, which is acidic and polar, with alanine, which is neutral and non-polar, at codon 52 of the PDE6G protein (p.Asp52Ala). This variant is present in population databases (no rsID available, gnomAD 0.01%). This variant has not been reported in the literature in individuals affected with PDE6G-related conditions. ClinVar contains an entry for this variant (Variation ID: 2172301). An algorithm developed to predict the effect of missense changes on protein structure and function (PolyPhen-2) suggests that this variant is likely to be disruptive. In summary, the available evidence is currently insufficient to determine the role of this variant in disease. Therefore, it has been classified as a Variant of Uncertain Significance.

NM_002602.4(PDE6G):c.155A>C (p.Asp52Ala)

Gene: PDE6G (phosphodiesterase 6G; minus strand). Cytogenetic location: 17q25.3.
Variant type: single nucleotide variant.
Coding change: c.155A>C on transcript NM_002602.4 (MANE Select); coding-DNA position 155, A replaced by C.
Protein change: p.Asp52Ala; replaces aspartic acid 52 with alanine.
Molecular consequence: missense variant. On other transcripts: non-coding transcript variant (2).
Genome position (GRCh38, 1-based): chr17:81,651,677, T>G on the plus strand (A>C on the coding strand, the complement: PDE6G is on the minus strand). VCF-style: chr17-81651677-T-G. GRCh37 (hg19) VCF-style: chr17-79618707-T-G.
Other names: c.155A>C, p.Asp52Ala (NM_001365724.1, NM_001365725.1); c.155A>C (NM_002602.3); short protein forms D52A.
Identifiers: ClinVar variation 2172301 (VCV002172301.3), dbSNP rs961635324, ClinGen allele CA295096766.